The following is an entry in ClinVar:

NM_001982.4(ERBB3):c.2786G>A (p.Arg929Gln)

Gene: ERBB3 (erb-b2 receptor tyrosine kinase 3; plus strand). Cytogenetic location: 12q13.2.
Variant type: single nucleotide variant.
Coding change: c.2786G>A on transcript NM_001982.4 (MANE Select); coding-DNA position 2786, G replaced by A.
Protein change: p.Arg929Gln; replaces arginine 929 with glutamine.
Molecular consequence: missense variant.
Genome position (GRCh38, 1-based): chr12:56,098,852, G>A. VCF-style: chr12-56098852-G-A. GRCh37 (hg19) VCF-style: chr12-56492636-G-A.
Other names: short protein forms R929Q.
Identifiers: ClinVar variation 3382626 (VCV003382626.2).

ClinVar aggregate classification (germline): Uncertain significance (1 of 4 stars; one submission).

Conditions:
Visceral neuropathy, familial, 1, autosomal recessive (VSCN1). Identifiers: Orphanet 99811, MedGen C1855733, MONDO:8000011, OMIM 243180.

gnomAD v4.1: 8 of 1,613,958 alleles (0.0005%); highest among the groups gnomAD compares: South Asian, 0.0055%; no homozygotes.

Submission:

Juno Genomics, Hangzhou Juno Genomics, Inc
Classification: Uncertain significance for Visceral neuropathy, familial, 1, autosomal recessive. Review status: criteria provided, single submitter. Criteria: ACMG Guidelines, 2015. Collection method: clinical testing. Allele origin: germline. Affected: yes.
Comment: Absent from controls (or at extremely low frequency if recessive) in Genome Aggregation Database, Exome Sequencing Project, 1000 Genomes Project, or Exome Aggregation Consortium.;Multiple lines of computational evidence support a deleterious effect on the gene or gene product (conservation, evolutionary, splicing impact, etc).;Patient's phenotype or family history is highly specific for a disease with a single genetic etiology.